The following is an entry in ClinVar:

ClinVar aggregate classification (germline): Likely pathogenic (1 of 4 stars; one submission).

Conditions:
ACOX2-related disorder. Also called: ACOX2-related condition.

gnomAD v4.1: 4 of 1,612,896 alleles (0.00025%); highest among the groups gnomAD compares: African/African-American, 0.0053%; no homozygotes.

Submission:

PreventionGenetics, part of Exact Sciences
Classification: Likely pathogenic for ACOX2-related condition. Last evaluated: 2026-09-15. Review status: criteria provided, single submitter. Criteria: ACMG Guidelines, 2015. Collection method: clinical testing. Allele origin: germline.
Comment: The ACOX2 c.1156-1G>T variant is predicted to disrupt the AG splice acceptor site and interfere with normal splicing. To our knowledge, this variant has not been reported in the literature. This variant is reported in 0.012% of alleles in individuals of African descent in gnomAD. Variants that disrupt the consensus splice acceptor site in ACOX2 are expected to be pathogenic. This variant is interpreted as likely pathogenic.

NM_003500.4(ACOX2):c.1156-1G>T

Gene: ACOX2 (acyl-CoA oxidase 2; minus strand). Cytogenetic location: 3p14.3.
Variant type: single nucleotide variant.
Coding change: c.1156-1G>T on transcript NM_003500.4 (MANE Select); the canonical splice acceptor site of the intron before coding-DNA position 1156, G replaced by T.
Molecular consequence: splice acceptor variant.
Genome position (GRCh38, 1-based): chr3:58,526,657, C>A on the plus strand (G>T on the coding strand, the complement: ACOX2 is on the minus strand). VCF-style: chr3-58526657-C-A. GRCh37 (hg19) VCF-style: chr3-58512384-C-A.
Identifiers: ClinVar variation 4986263 (VCV004986263.1).
Genomic context (GRCh38, chr3:58,526,657, plus strand): 5'-AGCTCCCTGGGTGCAGAATTCTGACATCATGGCCTTCATGCCCGTGCTCAGTGCGTGGAG[C>A]TGTGAGAACATGGAGGGGGGTTGGGCGGTGTTAGGGGGCCTCCACCATAGGGACCAACCC-3'